The following is an entry in ClinVar:

NM_001370595.2(COA8):c.385+125A>G

Gene: COA8 (cytochrome c oxidase assembly factor 8; plus strand). Cytogenetic location: 14q32.33.
Variant type: single nucleotide variant.
Coding change: c.385+125A>G on transcript NM_001370595.2 (MANE Select); 125 bases into the intron after coding-DNA position 385, A replaced by G.
Molecular consequence: intron variant.
Genome position (GRCh38, 1-based): chr14:103,574,295, A>G. VCF-style: chr14-103574295-A-G. GRCh37 (hg19) VCF-style: chr14-104040632-A-G.
Other names: c.424+125A>G (NM_032374.4); c.385+125A>G (NM_001302653.2); c.386-95A>G (NM_001302654.2).
Identifiers: ClinVar variation 676828 (VCV000676828.2), dbSNP rs73361345, ClinGen allele CA267239843.

ClinVar aggregate classification (germline): Benign. Review status: criteria provided, multiple submitters, no conflicts (2 of 4 stars). 2 submissions from 2 submitters: Benign (2). Last evaluated 2018-06-14.

Allele frequency attached by ClinVar (database versions not stated): 1000 Genomes Project 0.02835; TOPMed 0.02933; 1000 Genomes Project 30x 0.03076.
gnomAD v4.1: 7,065 of 1,297,374 alleles (0.54%); highest among the groups gnomAD compares: African/African-American, 8.9%; 298 homozygotes.

Submissions (2):

GeneDx
Classification: Benign. Last evaluated: 2018-06-14. Review status: criteria provided, single submitter. Criteria: GeneDx Variant Classification (06012015). Collection method: clinical testing. Allele origin: germline. Affected: yes.
Comment: This variant is considered likely benign or benign based on one or more of the following criteria: it is a conservative change, it occurs at a poorly conserved position in the protein, it is predicted to be benign by multiple in silico algorithms, and/or has population frequency not consistent with disease.

Breakthrough Genomics
Classification: Benign. Review status: criteria provided, single submitter. Criteria: ACMG Guidelines, 2015. Collection method: not provided. Allele origin: germline. Inheritance: Autosomal recessive inheritance. Affected: yes.